The following is an entry in ClinVar:

ClinVar aggregate classification (germline): Uncertain significance (1 of 4 stars; one submission).

Conditions:
Glycogen storage disease, type II (IOPD). Also called: CARDIOMEGALIA GLYCOGENICA DIFFUSA; GLYCOGENOSIS, GENERALIZED, CARDIAC FORM; GSD II; POMPE DISEASE, INFANTILE-ONSET; GLYCOGEN STORAGE DISEASE II, INFANTILE-ONSET; ACID ALPHA-GLUCOSIDASE DEFICIENCY, INFANTILE-ONSET. Identifiers: Orphanet 365, MedGen C0017921, MONDO:0009290, OMIM 232300.

Submission:

Labcorp Genetics (formerly Invitae), Labcorp
Classification: Uncertain significance for Glycogen storage disease, type II. Last evaluated: 2017-11-08. Review status: criteria provided, single submitter. Criteria: Invitae Variant Classification Sherloc (09022015). Collection method: clinical testing. Allele origin: germline.
Comment: This sequence change replaces arginine with proline at codon 411 of the GAA protein (p.Arg411Pro). The arginine residue is moderately conserved and there is a moderate physicochemical difference between arginine and proline. This variant is not present in population databases (ExAC no frequency). This variant has not been reported in the literature in individuals with GAA-related disease. Algorithms developed to predict the effect of missense changes on protein structure and function do not agree on the potential impact of this missense change (SIFT: "Deleterious"; PolyPhen-2: "Possibly Damaging"; Align-GVGD: "Class C0"). In summary, the available evidence is currently insufficient to determine the role of this variant in disease. Therefore, it has been classified as a Variant of Uncertain Significance.

NM_000152.5(GAA):c.1232G>C (p.Arg411Pro)

Gene: GAA (alpha glucosidase; plus strand). Cytogenetic location: 17q25.3.
Variant type: single nucleotide variant.
Coding change: c.1232G>C on transcript NM_000152.5 (MANE Select); coding-DNA position 1232, G replaced by C.
Protein change: p.Arg411Pro; replaces arginine 411 with proline.
Molecular consequence: missense variant.
Genome position (GRCh38, 1-based): chr17:80,108,734, G>C. VCF-style: chr17-80108734-G-C. GRCh37 (hg19) VCF-style: chr17-78082533-G-C.
Other names: c.1232G>C (LRG_673t1); c.1232G>C, p.Arg411Pro (NM_001079803.3, NM_001079804.3); short protein forms R411P.
Identifiers: ClinVar variation 526543 (VCV000526543.1), dbSNP rs372799904, ClinGen allele CA401365236.
Genomic context (GRCh38, chr17:80,108,734, plus strand): 5'-ACGGTCCCGTGTTGTGGCTGCAGGACGTCCAGTGGAACGACCTGGACTACATGGACTCCC[G>C]GAGGGACTTCACGTTCAACAAGGATGGCTTCCGGGACTTCCCGGCCATGGTGCAGGAGCT-3'
Protein context (NP_000143.2, residues 401-421): QWNDLDYMDS[Arg411Pro]RDFTFNKDGF